The following is an entry in ClinVar:

NM_000138.5(FBN1):c.2447_2451del (p.Pro815_Cys816insTer)

Gene: FBN1 (fibrillin 1; minus strand). Cytogenetic location: 15q21.1.
Variant type: Deletion.
Coding change: c.2447_2451del on transcript NM_000138.5 (MANE Select); coding-DNA positions 2447 to 2451, 5 bases deleted (GCATT; older notation c.2447_2451delGCATT).
Protein change: p.Pro815_Cys816insTer.
Molecular consequence: nonsense.
Genome position (GRCh38, 1-based): chr15:48,495,557-48,495,561, AATGC deleted on the plus strand (GCATT on the coding strand, the reverse complement: FBN1 is on the minus strand); deleting any 5 consecutive bases within chr15:48,495,557-48,495,563 gives the same sequence; the c. name uses the placement nearest the transcript's 3' end. VCF-style (leftmost placement, unchanged base first): chr15-48495556-TAATGC-T. GRCh37 (hg19) VCF-style: chr15-48787753-TAATGC-T.
Other names: c.2447_2451del, p.Pro815_Cys816insTer (NM_001406716.1).
Identifiers: ClinVar variation 4786980 (VCV004786980.1).

ClinVar aggregate classification (germline): Pathogenic (1 of 4 stars; one submission).

Conditions:
Marfan syndrome (MFS). Also called: FBN1-Related Marfan Syndrome; MARFAN SYNDROME, TYPE I; Marfan syndrome type 1; Marfan's syndrome; Marfan syndrome, classic. Identifiers: Orphanet 284963, Orphanet 558, MedGen C0024796, MONDO:0007947, OMIM 154700.
Familial thoracic aortic aneurysm and aortic dissection (TAAD). Also called: Thoracic aortic aneurysms and dissections. Identifiers: Orphanet 91387, MedGen C4707243, MONDO:0019625.

Submission:

Labcorp Genetics (formerly Invitae), Labcorp
Classification: Pathogenic for Marfan syndrome; Familial thoracic aortic aneurysm and aortic dissection. Last evaluated: 2025-12-11. Review status: criteria provided, single submitter. Criteria: Invitae Variant Classification Sherloc (09022015). Collection method: clinical testing. Allele origin: germline.
Comment: This sequence change creates a premature translational stop signal (p.Cys816*) in the FBN1 gene. It is expected to result in an absent or disrupted protein product. Loss-of-function variants in FBN1 are known to be pathogenic (PMID: 17657824, 19293843). This variant is not present in population databases (gnomAD no frequency). This premature translational stop signal has been observed in individual(s) with Marfan syndrome or thoracic aortic dissection (PMID: 19293843, 37625564). For these reasons, this variant has been classified as Pathogenic.

Literature cited by the submitters: PubMed 17657824; PubMed 19293843; PubMed 37625564.